The following is an entry in ClinVar:

NM_001384474.1(LOXHD1):c.4349A>G (p.Tyr1450Cys)

Gene: LOXHD1 (lipoxygenase homology PLAT domains 1; minus strand). Cytogenetic location: 18q21.1.
Variant type: single nucleotide variant.
Coding change: c.4349A>G on transcript NM_001384474.1 (MANE Select); coding-DNA position 4349, A replaced by G.
Protein change: p.Tyr1450Cys; replaces tyrosine 1450 with cysteine.
Molecular consequence: missense variant.
Genome position (GRCh38, 1-based): chr18:46,533,188, T>C on the plus strand (A>G on the coding strand, the complement: LOXHD1 is on the minus strand). VCF-style: chr18-46533188-T-C. GRCh37 (hg19) VCF-style: chr18-44113151-T-C.
Other names: c.1016A>G, p.Tyr339Cys (NM_001145472.3); c.728A>G, p.Tyr243Cys (NM_001308013.2); c.4349A>G, p.Tyr1450Cys (NM_144612.7); short protein forms Y1450C, Y243C, Y339C.
Identifiers: ClinVar variation 517353 (VCV000517353.5), dbSNP rs1416571809, ClinGen allele CA402374927.

ClinVar aggregate classification (germline): Uncertain significance. Review status: criteria provided, multiple submitters, no conflicts (2 of 4 stars). 2 submissions from 2 submitters: Uncertain significance (2). Last evaluated 2021-06-04.

Allele frequency attached by ClinVar (database versions not stated): gnomAD 0.00001; gnomAD exomes 0.00001.
gnomAD v4.1: 4 of 1,551,622 alleles (0.00026%); highest among the groups gnomAD compares: African/African-American, 0.0014%; no homozygotes.

Submissions (2):

Blueprint Genetics
Classification: Uncertain significance. Last evaluated: 2021-06-04. Review status: criteria provided, single submitter. Criteria: ACMG Guidelines, 2015. Collection method: clinical testing. Allele origin: germline.

Laboratory for Molecular Medicine, Mass General Brigham Personalized Medicine
Classification: Uncertain significance. Last evaluated: 2017-04-28. Review status: criteria provided, single submitter. Criteria: LMM Criteria. Collection method: clinical testing. Allele origin: germline. Observed: 1 variant allele.
Comment: The p.Tyr1450Cys variant in LOXHD1 has not been previously reported in individua ls with hearing loss and was absent from large population studies. Computational prediction tools and conservation analysis do not provide strong support for or against an impact to the protein. In summary, the clinical significance of the p.Tyr1450Cys variant is uncertain.